The following is an entry in ClinVar:

ClinVar aggregate classification (germline): Uncertain significance (1 of 4 stars; one submission).

Submission:

Ambry Genetics
Classification: Uncertain significance. Last evaluated: 2025-05-15. Review status: criteria provided, single submitter. Criteria: Ambry Variant Classification Scheme 2023. Collection method: clinical testing. Allele origin: germline.
Comment: The p.H302R variant (also known as c.905A>G), located in coding exon 4 of the GFI1 gene, results from an A to G substitution at nucleotide position 905. The histidine at codon 302 is replaced by arginine, an amino acid with highly similar properties. This amino acid position is conserved. In addition, this alteration is predicted to be deleterious by in silico analysis. Based on the available evidence, the clinical significance of this variant remains unclear.

NM_005263.5(GFI1):c.905A>G (p.His302Arg)

Gene: GFI1 (growth factor independent 1 transcriptional repressor; minus strand). Cytogenetic location: 1p22.1.
Variant type: single nucleotide variant.
Coding change: c.905A>G on transcript NM_005263.5 (MANE Select); coding-DNA position 905, A replaced by G.
Protein change: p.His302Arg; replaces histidine 302 with arginine.
Molecular consequence: missense variant.
Genome position (GRCh38, 1-based): chr1:92,480,367, T>C on the plus strand (A>G on the coding strand, the complement: GFI1 is on the minus strand). VCF-style: chr1-92480367-T-C. GRCh37 (hg19) VCF-style: chr1-92945924-T-C.
Other names: c.905A>G, p.His302Arg (NM_001127215.3, NM_001127216.3); short protein forms H302R.
Identifiers: ClinVar variation 4029422 (VCV004029422.1).